The following is an entry in ClinVar:

ClinVar aggregate classification (germline): Uncertain significance (1 of 4 stars; one submission).

Conditions:
2-aminoadipic 2-oxoadipic aciduria (AAKAD). Also called: ALPHA-AMINOADIPIC AND ALPHA-KETOADIPIC ACIDURIA; Aminoadipic aciduria. Identifiers: Orphanet 79154, MedGen C1859817, MONDO:0008774, OMIM 204750.

Submission:

Labcorp Genetics (formerly Invitae), Labcorp
Classification: Uncertain significance for 2-aminoadipic 2-oxoadipic aciduria. Last evaluated: 2023-11-08. Review status: criteria provided, single submitter. Criteria: Invitae Variant Classification Sherloc (09022015). Collection method: clinical testing. Allele origin: germline.
Comment: This sequence change replaces valine, which is neutral and non-polar, with phenylalanine, which is neutral and non-polar, at codon 694 of the DHTKD1 protein (p.Val694Phe). Information on the frequency of this variant in the gnomAD database is not available, as this variant may be reported differently in the database. This variant has not been reported in the literature in individuals affected with DHTKD1-related conditions. Experimental studies and prediction algorithms are not available or were not evaluated, and the functional significance of this variant is currently unknown. In summary, the available evidence is currently insufficient to determine the role of this variant in disease. Therefore, it has been classified as a Variant of Uncertain Significance.

NM_018706.7(DHTKD1):c.2079_2080delinsTT (p.Val694Phe)

Gene: DHTKD1 (dehydrogenase E1 and transketolase domain containing 1; plus strand). Cytogenetic location: 10p14.
Variant type: Indel.
Coding change: c.2079_2080delinsTT on transcript NM_018706.7 (MANE Select); coding-DNA positions 2079 to 2080, CG replaced by TT.
Protein change: p.Val694Phe; replaces valine 694 with phenylalanine.
Molecular consequence: missense variant.
Genome position (GRCh38, 1-based): chr10:12,107,940-12,107,941, CG replaced by TT. VCF-style: chr10-12107940-CG-TT. GRCh37 (hg19) VCF-style: chr10-12149939-CG-TT.
Other names: short protein forms V694F.
Identifiers: ClinVar variation 2694284 (VCV002694284.3), dbSNP rs2491506761, ClinGen allele CA2697558256.